The following is an entry in ClinVar:

ClinVar aggregate classification (germline): Conflicting classifications of pathogenicity. Review status: criteria provided, conflicting classifications (1 of 4 stars). 4 submissions from 4 submitters: Uncertain significance (3); Likely benign (1). Last evaluated 2025-12-30.

Conditions:
Café-au-lait macules with pulmonary stenosis (WTSN). Also called: PULMONIC STENOSIS WITH CAFE-AU-LAIT SPOTS. Identifiers: MedGen C0553586, MONDO:0008672, OMIM 193520.
Neurofibromatosis, familial spinal (FSNF). Identifiers: Orphanet 636, MedGen C1834235, MONDO:0008078, OMIM 162210. Disease mechanism: loss of function.
Juvenile myelomonocytic leukemia (JMML). Also called: LEUKEMIA, JUVENILE MYELOMONOCYTIC, SOMATIC. Identifiers: Orphanet 86834, MedGen C0349639, MONDO:0011908, OMIM 607785, HP:0012209.
Neurofibromatosis-Noonan syndrome (NFNS). Also called: NEUROFIBROMATOSIS WITH NOONAN PHENOTYPE. Identifiers: Orphanet 638, MedGen C2931482, MONDO:0011035, OMIM 601321. Disease mechanism: loss of function.
Neurofibromatosis, type 1 (NF1). Also called: Peripheral type neurofibromatosis; VON RECKLINGHAUSEN DISEASE; Neurofibromatosis, type I; NEUROFIBROMATOSIS, TYPE I, SOMATIC. Identifiers: Orphanet 636, MedGen C0027831, MONDO:0018975, OMIM 162200. Disease mechanism: loss of function.
Cardiovascular phenotype. Identifiers: MedGen CN230736.
Hereditary cancer-predisposing syndrome. Also called: Hereditary neoplastic syndrome; Neoplastic Syndromes, Hereditary; Hereditary Cancer Syndrome; Tumor predisposition. Identifiers: Orphanet 140162, MedGen C0027672, MeSH D009386, MONDO:0015356.

Allele frequency attached by ClinVar (database versions not stated): gnomAD 0.00001; gnomAD exomes 0.00002 and 0.00006; ExAC 0.00006.
gnomAD v4.1: 34 of 1,613,730 alleles (0.0021%); highest among the groups gnomAD compares: South Asian, 0.037%; no homozygotes.

Submissions (4):

Labcorp Genetics (formerly Invitae), Labcorp
Classification: Likely benign for Neurofibromatosis, type 1. Last evaluated: 2025-12-30. Review status: criteria provided, single submitter. Criteria: Invitae Variant Classification Sherloc (09022015). Collection method: clinical testing. Allele origin: germline.

Genome-Nilou Lab
Classification: Uncertain significance for Neurofibromatosis, type 1. Last evaluated: 2022-03-15. Review status: criteria provided, single submitter. Criteria: ACMG Guidelines, 2015. Collection method: clinical testing. Allele origin: germline. Affected: no.

Fulgent Genetics
Classification: Uncertain significance for Neurofibromatosis, type 1; Neurofibromatosis, familial spinal; Café-au-lait macules with pulmonary stenosis; Neurofibromatosis-Noonan syndrome; Juvenile myelomonocytic leukemia. Last evaluated: 2021-12-01. Review status: criteria provided, single submitter. Criteria: ACMG Guidelines, 2015. Collection method: clinical testing. Allele origin: unknown.

Ambry Genetics
Classification: Uncertain significance for Cardiovascular phenotype; Hereditary cancer-predisposing syndrome. Last evaluated: 2018-10-30. Review status: criteria provided, single submitter. Criteria: Ambry Variant Classification Scheme 2023. Collection method: clinical testing. Allele origin: germline.
Comment: The p.L1679F variant (also known as c.5035C>T), located in coding exon 36 of the NF1 gene, results from a C to T substitution at nucleotide position 5035. The leucine at codon 1679 is replaced by phenylalanine, an amino acid with highly similar properties. This amino acid position is highly conserved in available vertebrate species. In addition, the in silico prediction for this alteration is inconclusive. Since supporting evidence is limited at this time, the clinical significance of this alteration remains unclear.

NM_001042492.3(NF1):c.5098C>T (p.Leu1700Phe)

Gene: NF1 (neurofibromin 1; plus strand). Cytogenetic location: 17q11.2.
Variant type: single nucleotide variant.
Coding change: c.5098C>T on transcript NM_001042492.3 (MANE Select); coding-DNA position 5098, C replaced by T.
Protein change: p.Leu1700Phe; replaces leucine 1700 with phenylalanine.
Molecular consequence: missense variant.
Genome position (GRCh38, 1-based): chr17:31,326,082, C>T. VCF-style: chr17-31326082-C-T. GRCh37 (hg19) VCF-style: chr17-29653100-C-T.
Other names: c.5035C>T, p.Leu1679Phe (NM_000267.4); short protein forms L1679F, L1700F.
Identifiers: ClinVar variation 572107 (VCV000572107.12), dbSNP rs775786295, ClinGen allele CA8487135.
Genomic context (GRCh38, chr17:31,326,082, plus strand): 5'-TATAACTGTAACTCCTGGGTCAGGGAGTACACCAAGTATCATGAGCGGCTGCTGACTGGC[C>T]TCAAAGGTAGCAAAAGGCTTGTTTTCATAGACTGTCCTGGGAAACTGGCTGAGCACATAG-3'
Protein context (NP_001035957.1, residues 1690-1710): TKYHERLLTG[Leu1700Phe]KGSKRLVFID